The following is an entry in ClinVar:

ClinVar aggregate classification (germline): Uncertain significance (1 of 4 stars; one submission).

gnomAD v4.1: 2 of 1,211,115 alleles (0.00017%); highest among the groups gnomAD compares: Non-Finnish European, 0.00022%; no homozygotes.

Submission:

GeneDx
Classification: Uncertain significance. Last evaluated: 2025-05-12. Review status: criteria provided, single submitter. Criteria: GeneDx Variant Classification Process June 2021. Collection method: clinical testing. Allele origin: germline. Affected: yes.
Comment: Not observed at significant frequency in large population cohorts (gnomAD); In silico analysis suggests that this missense variant does not alter protein structure/function; Has not been previously published as pathogenic or benign to our knowledge

NM_005334.3(HCFC1):c.5318C>T (p.Ala1773Val)

Gene: HCFC1 (host cell factor C1; minus strand). Cytogenetic location: Xq28.
Variant type: single nucleotide variant.
Coding change: c.5318C>T on transcript NM_005334.3 (MANE Select); coding-DNA position 5318, C replaced by T.
Protein change: p.Ala1773Val; replaces alanine 1773 with valine.
Molecular consequence: missense variant.
Genome position (GRCh38, 1-based): chrX:153,951,650, G>A on the plus strand (C>T on the coding strand, the complement: HCFC1 is on the minus strand). VCF-style: chrX-153951650-G-A. GRCh37 (hg19) VCF-style: chrX-153217101-G-A.
Other names: c.5450C>T, p.Ala1817Val (NM_001440843.1, NM_001440844.1, NM_001440845.1); c.5447C>T, p.Ala1816Val (NM_001440846.1); c.5321C>T, p.Ala1774Val (NM_001440847.1, NM_001440849.1); c.5318C>T, p.Ala1773Val (NM_001440848.1); c.5252C>T, p.Ala1751Val (NM_001440850.1); c.5120C>T, p.Ala1707Val (NM_001440851.1); c.5453C>T, p.Ala1818Val (NM_001410705.1); short protein forms A1707V, A1751V, A1773V, A1774V, A1816V, A1817V, A1818V.
Identifiers: ClinVar variation 4529813 (VCV004529813.1).
Genomic context (GRCh38, chrX:153,951,650, plus strand): 5'-ACACCCAGGGACTCGATGCCATTGGCCACTTCGGTCAGGGTAGCTGCAGCCTGCAGCTTG[G>A]CTGGGCTGGCCACCACAACCGGCTGGGGGGCCACAAATGTGTTGGATGGAGCCAGGCCTA-3'
Protein context (NP_005325.2, residues 1763-1783): APQPVVVASP[Ala1773Val]KLQAAATLTE